The following is an entry in ClinVar:

ClinVar aggregate classification (germline): Benign/Likely benign. Review status: criteria provided, multiple submitters, no conflicts (2 of 4 stars). 4 submissions from 4 submitters: Benign (1); Likely benign (3). Last evaluated 2026-08-01.

Conditions:
Hereditary cancer-predisposing syndrome. Also called: Hereditary Cancer Syndrome; Neoplastic Syndromes, Hereditary; Tumor predisposition; Hereditary neoplastic syndrome. Identifiers: Orphanet 140162, MedGen C0027672, MeSH D009386, MONDO:0015356.
Cardiovascular phenotype. Identifiers: MedGen CN230736.

Allele frequency attached by ClinVar (database versions not stated): gnomAD exomes 0.00002 and 0.00008; ExAC 0.00022; ESP Exome Variant Server 0.00031; gnomAD 0.00035 and 0.00040; TOPMed 0.00038.
gnomAD v4.1: 89 of 1,598,474 alleles (0.0056%); highest among the groups gnomAD compares: African/African-American, 0.099%; no homozygotes.

Submissions (4):

CeGaT Center for Human Genetics Tuebingen
Classification: Likely benign. Last evaluated: 2026-08-01. Review status: criteria provided, single submitter. Criteria: CeGaT Center For Human Genetics Tuebingen Variant Classification Criteria Version 2. Collection method: clinical testing. Allele origin: germline. Affected: yes. Observed: 1 variant allele.
Comment: LZTR1: BP4, BP7

Labcorp Genetics (formerly Invitae), Labcorp
Classification: Likely benign. Last evaluated: 2026-01-26. Review status: criteria provided, single submitter. Criteria: Invitae Variant Classification Sherloc (09022015). Collection method: clinical testing. Allele origin: germline.

Ambry Genetics
Classification: Benign for Cardiovascular phenotype; Hereditary cancer-predisposing syndrome. Last evaluated: 2020-08-28. Review status: criteria provided, single submitter. Criteria: Ambry Variant Classification Scheme 2023. Collection method: clinical testing. Allele origin: germline.

GeneDx
Classification: Likely benign. Last evaluated: 2018-05-22. Review status: criteria provided, single submitter. Criteria: GeneDx Variant Classification (06012015). Collection method: clinical testing. Allele origin: germline. Affected: yes.
Comment: This variant is considered likely benign or benign based on one or more of the following criteria: it is a conservative change, it occurs at a poorly conserved position in the protein, it is predicted to be benign by multiple in silico algorithms, and/or has population frequency not consistent with disease.

NM_006767.4(LZTR1):c.1164G>A (p.Arg388=)

Gene: LZTR1 (leucine zipper like post translational regulator 1; plus strand). Cytogenetic location: 22q11.21.
Variant type: single nucleotide variant.
Coding change: c.1164G>A on transcript NM_006767.4 (MANE Select); coding-DNA position 1164, G replaced by A.
Protein change: p.Arg388=; no amino-acid change (arginine 388 retained).
Molecular consequence: synonymous variant.
Genome position (GRCh38, 1-based): chr22:20,992,808, G>A. VCF-style: chr22-20992808-G-A. GRCh37 (hg19) VCF-style: chr22-21347097-G-A.
Identifiers: ClinVar variation 561847 (VCV000561847.14), dbSNP rs200801199, ClinGen allele CA10118753.